The following is an entry in ClinVar:

ClinVar aggregate classification (germline): Uncertain significance (1 of 4 stars; one submission).

Conditions:
RYR1-related disorder. Also called: RYR1-related condition; RYR1-related disorders. Identifiers: MedGen CN239331.

Submission:

Labcorp Genetics (formerly Invitae), Labcorp
Classification: Uncertain significance for RYR1-related disorder. Last evaluated: 2020-10-01. Review status: criteria provided, single submitter. Criteria: Invitae Variant Classification Sherloc (09022015). Collection method: clinical testing. Allele origin: germline.
Comment: In summary, the available evidence is currently insufficient to determine the role of this variant in disease. Therefore, it has been classified as a Variant of Uncertain Significance. Algorithms developed to predict the effect of missense changes on protein structure and function are either unavailable or do not agree on the potential impact of this missense change (SIFT: "Deleterious"; PolyPhen-2: "Benign"; Align-GVGD: "Class C0"). This variant has not been reported in the literature in individuals with RYR1-related conditions. This variant is not present in population databases (ExAC no frequency). This sequence change replaces aspartic acid with alanine at codon 4082 of the RYR1 protein (p.Asp4082Ala). The aspartic acid residue is highly conserved and there is a moderate physicochemical difference between aspartic acid and alanine.

NM_000540.3(RYR1):c.12245A>C (p.Asp4082Ala)

Gene: RYR1 (ryanodine receptor 1; plus strand). Cytogenetic location: 19q13.2.
Variant type: single nucleotide variant.
Coding change: c.12245A>C on transcript NM_000540.3 (MANE Select); coding-DNA position 12245, A replaced by C.
Protein change: p.Asp4082Ala; replaces aspartic acid 4082 with alanine.
Molecular consequence: missense variant.
Genome position (GRCh38, 1-based): chr19:38,548,383, A>C. VCF-style: chr19-38548383-A-C. GRCh37 (hg19) VCF-style: chr19-39039023-A-C.
Other names: c.12230A>C, p.Asp4077Ala (NM_001042723.2); short protein forms D4077A, D4082A.
Identifiers: ClinVar variation 1007006 (VCV001007006.8), dbSNP rs1972523098, ClinGen allele CA405665889.